The following is an entry in ClinVar:

NM_000530.8(MPZ):c.370A>G (p.Thr124Ala)

Gene: MPZ (myelin protein zero; minus strand). Cytogenetic location: 1q23.3.
Variant type: single nucleotide variant.
Coding change: c.370A>G on transcript NM_000530.8 (MANE Select); coding-DNA position 370, A replaced by G.
Protein change: p.Thr124Ala; replaces threonine 124 with alanine.
Molecular consequence: missense variant.
Genome position (GRCh38, 1-based): chr1:161,306,786, T>C on the plus strand (A>G on the coding strand, the complement: MPZ is on the minus strand). VCF-style: chr1-161306786-T-C. GRCh37 (hg19) VCF-style: chr1-161276576-T-C.
Other names: c.370A>G (LRG_256t1); c.370A>G, p.Thr124Ala (NM_001315491.2); short protein forms T124A.
Identifiers: ClinVar variation 637782 (VCV000637782.3), dbSNP rs1571818905, ClinGen allele CA343348985.
Genomic context (GRCh38, chr1:161,306,786, plus strand): 5'-GCGTGACCTGAGAGGTCTTGCCCACTATGTCTGGAGGGTTTTTGACGTCACAAGTGAACG[T>C]GCCATTGTCACTGTAGTCTAGGTTGTGTATGACAATGGAGCCATCCTTCCAGCGAGGGTC-3'
Protein context (NP_000521.2, residues 114-134): IHNLDYSDNG[Thr124Ala]FTCDVKNPPD

ClinVar aggregate classification (germline): Uncertain significance. Review status: criteria provided, single submitter (1 of 4 stars). 2 submissions from 2 submitters: Uncertain significance (1). 1 of the submissions does not count toward it. Last evaluated 2025-07-03.

Conditions:
Charcot-Marie-Tooth disease. Also called: Charcot-Marie-Tooth Hereditary Neuropathy; Charcot-Marie-Tooth Neuropathy. Identifiers: Orphanet 166, MedGen C0007959, MONDO:0015626.

Submissions (2):

Women's Health and Genetics/Laboratory Corporation of America, LabCorp
Classification: Uncertain significance. Last evaluated: 2025-07-03. Review status: criteria provided, single submitter. Criteria: LabCorp Variant Classification Summary - May 2015. Collection method: clinical testing. Allele origin: germline.
Comment: Variant summary: MPZ c.370A>G (p.Thr124Ala) results in a non-conservative amino acid change in the encoded protein sequence. Algorithms developed to predict the effect of missense changes on protein structure and function are either unavailable or do not agree on the potential impact of this missense change. The variant was absent in 251494 control chromosomes (gnomAD). c.370A>G has been observed in at least one individual affected with Charcot-Marie-Tooth disease (Mandich_2009). To our knowledge, no experimental evidence demonstrating an impact on protein function has been reported. The following publications have been ascertained in the context of this evaluation (PMID: 19293842, 35330153, 35908287). ClinVar contains an entry for this variant (Variation ID: 637782). Based on the evidence outlined above, the variant was classified as VUS-possibly pathogenic.

Inherited Neuropathy Consortium
Classification: Uncertain significance for Charcot-Marie-Tooth disease. Review status: no assertion criteria provided. Collection method: literature only. Allele origin: germline. Affected: yes. Not counted in ClinVar's aggregate classification.

Literature cited by the submitters: PubMed 35330153 (cited by Women's Health and Genetics/Laboratory Corporation of America, LabCorp); PubMed 19293842 (cited by Women's Health and Genetics/Laboratory Corporation of America, LabCorp and Inherited Neuropathy Consortium); PubMed 35908287 (cited by Women's Health and Genetics/Laboratory Corporation of America, LabCorp).